The following is an entry in ClinVar:

NM_001363711.2(DUOX2):c.1235A>C (p.Asp412Ala)

Gene: DUOX2 (dual oxidase 2; minus strand). Cytogenetic location: 15q21.1.
Variant type: single nucleotide variant.
Coding change: c.1235A>C on transcript NM_001363711.2 (MANE Select); coding-DNA position 1235, A replaced by C.
Protein change: p.Asp412Ala; replaces aspartic acid 412 with alanine.
Molecular consequence: missense variant.
Genome position (GRCh38, 1-based): chr15:45,108,952, T>G on the plus strand (A>C on the coding strand, the complement: DUOX2 is on the minus strand). VCF-style: chr15-45108952-T-G. GRCh37 (hg19) VCF-style: chr15-45401150-T-G.
Other names: c.1235A>C, p.Asp412Ala (NM_014080.5); short protein forms D412A.
Identifiers: ClinVar variation 2894542 (VCV002894542.3), dbSNP rs2504775699, ClinGen allele CA392277065.

ClinVar aggregate classification (germline): Uncertain significance (1 of 4 stars; one submission).

Submission:

Labcorp Genetics (formerly Invitae), Labcorp
Classification: Uncertain significance. Last evaluated: 2023-07-16. Review status: criteria provided, single submitter. Criteria: Invitae Variant Classification Sherloc (09022015). Collection method: clinical testing. Allele origin: germline.
Comment: This sequence change replaces aspartic acid, which is acidic and polar, with alanine, which is neutral and non-polar, at codon 412 of the DUOX2 protein (p.Asp412Ala). This variant is not present in population databases (gnomAD no frequency). This variant has not been reported in the literature in individuals affected with DUOX2-related conditions. An algorithm developed to predict the effect of missense changes on protein structure and function (PolyPhen-2) suggests that this variant is likely to be disruptive. In summary, the available evidence is currently insufficient to determine the role of this variant in disease. Therefore, it has been classified as a Variant of Uncertain Significance.